The following is an entry in ClinVar:

NM_001102564.3(IFT43):c.349C>A (p.Gln117Lys)

Gene: IFT43 (intraflagellar transport 43; plus strand). Cytogenetic location: 14q24.3.
Variant type: single nucleotide variant.
Coding change: c.349C>A on transcript NM_001102564.3 (MANE Select); coding-DNA position 349, C replaced by A.
Protein change: p.Gln117Lys; replaces glutamine 117 with lysine.
Molecular consequence: missense variant. On other transcripts: non-coding transcript variant (2).
Genome position (GRCh38, 1-based): chr14:76,082,348, C>A. VCF-style: chr14-76082348-C-A. GRCh37 (hg19) VCF-style: chr14-76548691-C-A.
Other names: c.364C>A, p.Gln122Lys (NM_052873.3); short protein forms Q117K, Q122K.
Identifiers: ClinVar variation 2103037 (VCV002103037.4), dbSNP rs749663765, ClinGen allele CA7280845.

ClinVar aggregate classification (germline): Uncertain significance (1 of 4 stars; one submission).

Allele frequency attached by ClinVar (database versions not stated): ExAC 0.00003.
gnomAD v4.1: 22 of 1,611,384 alleles (0.0014%); highest among the groups gnomAD compares: Non-Finnish European, 0.0019%; no homozygotes.

Submission:

Labcorp Genetics (formerly Invitae), Labcorp
Classification: Uncertain significance. Last evaluated: 2024-10-29. Review status: criteria provided, single submitter. Criteria: Invitae Variant Classification Sherloc (09022015). Collection method: clinical testing. Allele origin: germline.
Comment: This sequence change replaces glutamine, which is neutral and polar, with lysine, which is basic and polar, at codon 122 of the IFT43 protein (p.Gln122Lys). This variant is present in population databases (rs749663765, gnomAD 0.004%). This variant has not been reported in the literature in individuals affected with IFT43-related conditions. ClinVar contains an entry for this variant (Variation ID: 2103037). An algorithm developed to predict the effect of missense changes on protein structure and function (PolyPhen-2) suggests that this variant is likely to be tolerated. In summary, the available evidence is currently insufficient to determine the role of this variant in disease. Therefore, it has been classified as a Variant of Uncertain Significance.